The following is an entry in ClinVar:

NM_014956.5(CEP164):c.2165T>C (p.Leu722Pro)

Gene: CEP164 (centrosomal protein 164; plus strand). Cytogenetic location: 11q23.3.
Variant type: single nucleotide variant.
Coding change: c.2165T>C on transcript NM_014956.5 (MANE Select); coding-DNA position 2165, T replaced by C.
Protein change: p.Leu722Pro; replaces leucine 722 with proline.
Molecular consequence: missense variant.
Genome position (GRCh38, 1-based): chr11:117,391,097, T>C. VCF-style: chr11-117391097-T-C. GRCh37 (hg19) VCF-style: chr11-117261813-T-C.
Other names: c.2174T>C, p.Leu725Pro (NM_001271933.2); short protein forms L725P, L722P.
Identifiers: ClinVar variation 2171300 (VCV002171300.4), dbSNP rs1368750064, ClinGen allele CA382723187.

ClinVar aggregate classification (germline): Uncertain significance (1 of 4 stars; one submission).

Conditions:
Nephronophthisis 15 (NPHP15). Identifiers: Orphanet 3156, MedGen C3541853, MONDO:0013917, OMIM 614845.

Allele frequency attached by ClinVar (database versions not stated): TOPMed below 0.00001.
gnomAD v4.1: 4 of 1,614,014 alleles (0.00025%); highest among the groups gnomAD compares: Admixed American, 0.0017%; no homozygotes.

Submission:

Labcorp Genetics (formerly Invitae), Labcorp
Classification: Uncertain significance for Nephronophthisis 15. Last evaluated: 2022-08-05. Review status: criteria provided, single submitter. Criteria: Invitae Variant Classification Sherloc (09022015). Collection method: clinical testing. Allele origin: germline.
Comment: In summary, the available evidence is currently insufficient to determine the role of this variant in disease. Therefore, it has been classified as a Variant of Uncertain Significance. Algorithms developed to predict the effect of missense changes on protein structure and function are either unavailable or do not agree on the potential impact of this missense change (SIFT: "Deleterious"; PolyPhen-2: "Probably Damaging"; Align-GVGD: "Class C0"). This variant has not been reported in the literature in individuals affected with CEP164-related conditions. This variant is present in population databases (no rsID available, gnomAD 0.003%). This sequence change replaces leucine, which is neutral and non-polar, with proline, which is neutral and non-polar, at codon 722 of the CEP164 protein (p.Leu722Pro).